The following is an entry in ClinVar:

NM_000038.6(APC):c.1462C>T (p.Leu488Phe)

Gene: APC (APC regulator of Wnt signaling pathway; plus strand). Cytogenetic location: 5q22.2.
Variant type: single nucleotide variant.
Coding change: c.1462C>T on transcript NM_000038.6 (MANE Select); coding-DNA position 1462, C replaced by T.
Protein change: p.Leu488Phe; replaces leucine 488 with phenylalanine.
Molecular consequence: missense variant.
Genome position (GRCh38, 1-based): chr5:112,827,161, C>T. VCF-style: chr5-112827161-C-T. GRCh37 (hg19) VCF-style: chr5-112162858-C-T.
Other names: p.L488F:CTT>TTT; c.1462C>T, p.Leu488Phe (NM_001127510.3, NM_001354895.2); c.1408C>T, p.Leu470Phe (NM_001127511.3); c.1516C>T, p.Leu506Phe (NM_001354896.2); c.1492C>T, p.Leu498Phe (NM_001354897.2); c.1387C>T, p.Leu463Phe (NM_001354898.2); c.1378C>T, p.Leu460Phe (NM_001354899.2); c.1339C>T, p.Leu447Phe (NM_001354900.2); and 6 more; short protein forms L488F, L470F, L387F, L460F, L506F, L205F, L429F, L463F.
Identifiers: ClinVar variation 127277 (VCV000127277.67), dbSNP rs587779782, ClinGen allele CA005184.

ClinVar aggregate classification (germline): Uncertain significance. Review status: criteria provided, multiple submitters, no conflicts (2 of 4 stars). 10 submissions from 10 submitters: Uncertain significance (10). Last evaluated 2026-02-24.

Conditions:
Desmoid disease, hereditary (DESMD). Also called: FIBROMATOSIS, FAMILIAL INFILTRATIVE. Identifiers: Orphanet 873, MedGen C1851124, OMIM 135290. Disease mechanism: loss of function.
Hepatocellular carcinoma (HCC). Also called: Primary carcinoma of liver; HEPATOMA; LIVER CELL CARCINOMA. Identifiers: Orphanet 88673, MedGen C2239176, MONDO:0007256, OMIM 114550, HP:0001402.
Gastric adenocarcinoma and proximal polyposis of the stomach (GAPPS). Also called: POLYPOSIS, GASTRIC; Gastric Adenocarcinoma and Proximal Polyposis of the Stomach (GAPPS); Polyposis, gastric, Dos Santos and de Magalhaes 1980. Identifiers: Orphanet 314022, MedGen C4749917, MONDO:0017790, OMIM 619182.
Familial adenomatous polyposis 1 (FAP1). Also called: POLYPOSIS, ADENOMATOUS INTESTINAL; FAMILIAL ADENOMATOUS POLYPOSIS 1, ATTENUATED. Identifiers: MedGen C2713442, MONDO:0021056, OMIM 175100. Disease mechanism: loss of function.
Gastric cancer. Also called: Malignant tumor of stomach; Stomach cancer. Identifiers: MedGen C0024623, MeSH D013274, MONDO:0001056, OMIM 613659, HP:0012126.
Colorectal cancer. Also called: Malignant Colorectal Neoplasm; Colorectal cancer, somatic. Identifiers: MedGen C0346629, MONDO:0005575, OMIM 114500.
Hereditary cancer-predisposing syndrome. Also called: Tumor predisposition; Hereditary neoplastic syndrome; Neoplastic Syndromes, Hereditary; Hereditary Cancer Syndrome. Identifiers: Orphanet 140162, MedGen C0027672, MeSH D009386, MONDO:0015356.
Classic or attenuated familial adenomatous polyposis. Identifiers: MedGen CN372698, MONDO:0021057.

Allele frequency attached by ClinVar (database versions not stated): gnomAD exomes below 0.00001 and 0.00001; TOPMed below 0.00001.
gnomAD v4.1: 18 of 1,613,684 alleles (0.0011%); highest among the groups gnomAD compares: Admixed American, 0.0017%; no homozygotes.

Submissions (10):

Ambry Genetics
Classification: Uncertain significance for Hereditary cancer-predisposing syndrome. Last evaluated: 2026-02-24. Review status: criteria provided, single submitter. Criteria: Ambry Variant Classification Scheme 2023. Collection method: clinical testing. Allele origin: germline.

Labcorp Genetics (formerly Invitae), Labcorp
Classification: Uncertain significance for Familial adenomatous polyposis 1. Last evaluated: 2025-12-01. Review status: criteria provided, single submitter. Criteria: Invitae Variant Classification Sherloc (09022015). Collection method: clinical testing. Allele origin: germline.
Comment: This sequence change replaces leucine, which is neutral and non-polar, with phenylalanine, which is neutral and non-polar, at codon 488 of the APC protein (p.Leu488Phe). This variant is present in population databases (rs587779782, gnomAD 0.0009%). This variant has not been reported in the literature in individuals affected with APC-related conditions. ClinVar contains an entry for this variant (Variation ID: 127277). Invitae Evidence Modeling of protein sequence and biophysical properties (such as structural, functional, and spatial information, amino acid conservation, physicochemical variation, residue mobility, and thermodynamic stability) indicates that this missense variant is not expected to disrupt APC protein function with a negative predictive value of 95%. In summary, the available evidence is currently insufficient to determine the role of this variant in disease. Therefore, it has been classified as a Variant of Uncertain Significance.

Color Diagnostics, LLC DBA Color Health
Classification: Uncertain significance for Hereditary cancer-predisposing syndrome. Last evaluated: 2025-09-03. Review status: criteria provided, single submitter. Criteria: ACMG Guidelines, 2015. Collection method: clinical testing. Allele origin: germline.
Comment: This missense variant replaces leucine with phenylalanine at codon 488 of the APC protein. Computational prediction is inconclusive regarding the impact of this variant on protein structure and function. To our knowledge, functional studies have not been reported for this variant. This variant has not been reported in individuals affected with APC-related disorders in the literature. This variant has been identified in 1/251176 chromosomes in the general population by the Genome Aggregation Database (gnomAD). The available evidence is insufficient to determine the role of this variant in disease conclusively. Therefore, this variant is classified as a Variant of Uncertain Significance.

Fulgent Genetics
Classification: Uncertain significance for Colorectal cancer; Hepatocellular carcinoma; Desmoid disease, hereditary; Familial adenomatous polyposis 1; Gastric cancer; Gastric adenocarcinoma and proximal polyposis of the stomach. Last evaluated: 2024-06-18. Review status: criteria provided, single submitter. Criteria: ACMG Guidelines, 2015. Collection method: clinical testing. Allele origin: germline.

Blueprint Genetics
Classification: Uncertain significance. Last evaluated: 2023-10-27. Review status: criteria provided, single submitter. Criteria: ACMG Guidelines, 2015. Collection method: clinical testing. Allele origin: germline.

Baylor Genetics
Classification: Uncertain significance for Familial adenomatous polyposis 1. Last evaluated: 2023-08-21. Review status: criteria provided, single submitter. Criteria: ACMG Guidelines, 2015. Collection method: clinical testing. Allele origin: unknown.

All of Us Research Program, National Institutes of Health
Classification: Uncertain significance for Classic or attenuated familial adenomatous polyposis. Last evaluated: 2023-08-15. Review status: criteria provided, single submitter. Criteria: ACMG Guidelines, 2015. Collection method: clinical testing. Allele origin: germline. Inheritance: Autosomal dominant inheritance. Observed: 6 variant alleles, 6 heterozygotes.
Comment: This missense variant replaces leucine with phenylalanine at codon 488 of the APC protein. Computational prediction is inconclusive regarding the impact of this variant on protein structure and function (internally defined REVEL score threshold 0.5 < inconclusive < 0.7, PMID: 27666373). Splice site prediction tools suggest that this variant may not impact RNA splicing. To our knowledge, functional studies have not been performed for this variant. This variant has been reported in an individual affected with breast cancer (PMID: 25186627). This variant has also been identified in 1/251176 chromosomes in the general population by the Genome Aggregation Database (gnomAD). The available evidence is insufficient to determine the role of this variant in disease conclusively. Therefore, this variant is classified as a Variant of Uncertain Significance.

This study involves interpretation of variants in research participants for the purpose of population health screening. Participant phenotype was not available at the time of variant classification. Additional details can be found in publication PMID: 35346344, PMCID: PMC8962531

Sema4
Classification: Uncertain significance for Hereditary cancer-predisposing syndrome. Last evaluated: 2021-09-25. Review status: criteria provided, single submitter. Criteria: Sema4 Curation Guidelines. Collection method: curation. Allele origin: germline.
Comment: The APC c.1462C>T (p.L488F) variant has not been reported in the literature to our knowledge. It was observed in 1/113580 chromosomes of the Non-Finnish European subpopulation in the large and broad cohorts of the Genome Aggregation Database (PMID: 32461654). This variant has been reported in ClinVar (Variation ID: 127277). Functional studies have not been performed, and in silico predictions of the variant's effect on protein function are inconclusive. The evidence is insufficient to meet ACMG/AMP criteria for classifying the variant as benign or pathogenic. Thus, the clinical significance of this variant is currently uncertain.

GeneDx
Classification: Uncertain significance. Last evaluated: 2020-11-04. Review status: criteria provided, single submitter. Criteria: GeneDx Variant Classification Process June 2021. Collection method: clinical testing. Allele origin: germline. Affected: yes.
Comment: Not observed at a significant frequency in large population cohorts (Lek 2016); In silico analysis supports that this missense variant does not alter protein structure/function; Observed in individuals with a personal or family history including breast cancer (Tung 2015); This variant is associated with the following publications: (PMID: 25186627)

Laboratory for Molecular Medicine, Mass General Brigham Personalized Medicine
Classification: Uncertain significance. Last evaluated: 2017-01-12. Review status: criteria provided, single submitter. Criteria: LMM Criteria. Collection method: clinical testing. Allele origin: germline. Observed: 1 variant allele.
Comment: The p.Leu488Phe variant in APC has not been previously reported in individuals w ith APC-associated polyposis or in large population studies. Computational predi ction tools and conservation analysis do not provide strong support for or again st an impact to the protein. In summary, the clinical significance of the p.Leu4 88Phe variant is uncertain.

Literature cited by the submitters: PubMed 25186627 (cited by All of Us Research Program, National Institutes of Health).